The following is an entry in ClinVar:

NC_000016.9:g.(?_2089925)_(2098067_?)dup

Genes: NTHL1 (nth like DNA glycosylase 1; minus strand), TSC2 (TSC complex subunit 2; plus strand). Cytogenetic location: 16p13.3.
Variant type: Duplication.
Identifiers: ClinVar variation 2423314 (VCV002423314.1).

ClinVar aggregate classification (germline): Uncertain significance (1 of 4 stars; one submission).

Conditions:
Tuberous sclerosis 2 (TSC2). Identifiers: Orphanet 805, MedGen C1860707, MONDO:0013199, OMIM 613254.

Submission:

Labcorp Genetics (formerly Invitae), Labcorp
Classification: Uncertain significance for Tuberous sclerosis 2. Last evaluated: 2022-07-16. Review status: criteria provided, single submitter. Criteria: Invitae Variant Classification Sherloc (09022015). Collection method: clinical testing. Allele origin: germline.
Comment: This variant is a copy number gain that occurs in a non-coding region of the TSC2 gene. It does not change the encoded amino acid sequence of the TSC2 protein. This variant has not been reported in the literature in individuals affected with TSC2-related conditions. Experimental studies and prediction algorithms are not available or were not evaluated, and the functional significance of this variant is currently unknown. In summary, the available evidence is currently insufficient to determine the role of this variant in disease. Therefore, it has been classified as a Variant of Uncertain Significance.